The following is an entry in ClinVar:

NM_006766.5(KAT6A):c.451A>G (p.Ile151Val)

Gene: KAT6A (lysine acetyltransferase 6A; minus strand). Cytogenetic location: 8p11.21.
Variant type: single nucleotide variant.
Coding change: c.451A>G on transcript NM_006766.5 (MANE Select); coding-DNA position 451, A replaced by G.
Protein change: p.Ile151Val; replaces isoleucine 151 with valine.
Molecular consequence: missense variant.
Genome position (GRCh38, 1-based): chr8:42,048,527, T>C on the plus strand (A>G on the coding strand, the complement: KAT6A is on the minus strand). VCF-style: chr8-42048527-T-C. GRCh37 (hg19) VCF-style: chr8-41906045-T-C.
Other names: c.451A>G, p.Ile151Val (NM_001305878.2); short protein forms I151V.
Identifiers: ClinVar variation 1723664 (VCV001723664.4), dbSNP rs137943524, ClinGen allele CA4730431.

ClinVar aggregate classification (germline): Conflicting classifications of pathogenicity. Review status: criteria provided, conflicting classifications (1 of 4 stars). 3 submissions from 3 submitters: Uncertain significance (1); Benign (1); Likely benign (1). Last evaluated 2025-11-03.

Conditions:
Inborn genetic diseases. Identifiers: MedGen C0950123, MeSH D030342.

Allele frequency attached by ClinVar (database versions not stated): ESP Exome Variant Server 0.00008; gnomAD exomes below 0.00001; TOPMed 0.00001; ExAC 0.00001.
gnomAD v4.1: 6 of 1,614,184 alleles (0.00037%); highest among the groups gnomAD compares: African/African-American, 0.0013%; no homozygotes.

Submissions (3):

Ambry Genetics
Classification: Likely benign for Inborn genetic diseases. Last evaluated: 2025-11-03. Review status: criteria provided, single submitter. Criteria: Ambry Variant Classification Scheme 2023. Collection method: clinical testing. Allele origin: germline.

Labcorp Genetics (formerly Invitae), Labcorp
Classification: Benign. Last evaluated: 2025-07-03. Review status: criteria provided, single submitter. Criteria: Invitae Variant Classification Sherloc (09022015). Collection method: clinical testing. Allele origin: germline.

GeneDx
Classification: Uncertain significance. Last evaluated: 2022-11-07. Review status: criteria provided, single submitter. Criteria: GeneDx Variant Classification Process June 2021. Collection method: clinical testing. Allele origin: germline. Affected: yes.
Comment: In silico analysis supports that this missense variant does not alter protein structure/function; Has not been previously published as pathogenic or benign to our knowledge